The following is an entry in ClinVar:

ClinVar aggregate classification (germline): Uncertain significance. Review status: criteria provided, multiple submitters, no conflicts (2 of 4 stars). 3 submissions from 3 submitters: Uncertain significance (2). 1 of the submissions does not count toward it. Last evaluated 2024-12-20.

Conditions:
IDUA-related disorder. Also called: IDUA-related condition.
Mucopolysaccharidosis type 1. Also called: IDUA deficiency; MPS I; Mucopolysaccharidosis Type I. Identifiers: Orphanet 579, MedGen C0023786, MONDO:0001586.

Allele frequency attached by ClinVar (database versions not stated): TOPMed below 0.00001.

Submissions (3):

PreventionGenetics, part of Exact Sciences
Classification: Uncertain significance for IDUA-related condition. Last evaluated: 2024-12-20. Review status: criteria provided, single submitter. Criteria: ACMG Guidelines, 2015. Collection method: clinical testing. Allele origin: germline.
Comment: The IDUA c.995T>C variant is predicted to result in the amino acid substitution p.Leu332Pro. To our knowledge, this variant has not been reported in the literature or in a large population database (gnomAD), indicating this variant is rare. At this time, the clinical significance of this variant is uncertain due to the absence of conclusive functional and genetic evidence.

Revvity Omics, Revvity
Classification: Uncertain significance. Last evaluated: 2022-04-08. Review status: criteria provided, single submitter. Criteria: ACMG Guidelines, 2015. Collection method: clinical testing. Allele origin: germline.

Natera, Inc.
Classification: Uncertain significance for Mucopolysaccharidosis type I. Last evaluated: 2020-08-14. Review status: no assertion criteria provided. Collection method: clinical testing. Allele origin: germline. Not counted in ClinVar's aggregate classification.

NM_000203.5(IDUA):c.995T>C (p.Leu332Pro)

Gene: IDUA (alpha-L-iduronidase; plus strand). Cytogenetic location: 4p16.3.
Variant type: single nucleotide variant.
Coding change: c.995T>C on transcript NM_000203.5 (MANE Select); coding-DNA position 995, T replaced by C.
Protein change: p.Leu332Pro; replaces leucine 332 with proline.
Molecular consequence: missense variant. On other transcripts: non-coding transcript variant (1).
Genome position (GRCh38, 1-based): chr4:1,002,291, T>C. VCF-style: chr4-1002291-T-C. GRCh37 (hg19) VCF-style: chr4-996079-T-C.
Other names: c.599T>C, p.Leu200Pro (NM_001363576.1); c.995T>C (NM_000203.4); short protein forms L200P, L332P.
Identifiers: ClinVar variation 990983 (VCV000990983.5), dbSNP rs1222686614, ClinGen allele CA355962990.
Genomic context (GRCh38, chr4:1,002,291, plus strand): 5'-CCGCGCCACCCGGTCCCAGCTGCCCTGGACACCCGCAGGTCATCGCGCAGCATCAGAACC[T>C]GCTACTGGCCAACACCACCTCCGCCTTCCCCTACGCGCTCCTGAGCAACGACAATGCCTT-3'
Protein context (NP_000194.2, residues 322-342): VVKVIAQHQN[Leu332Pro]LLANTTSAFP